The following is an entry in ClinVar:

NM_002234.4(KCNA5):c.1485C>T (p.Ile495=)

Gene: KCNA5 (potassium voltage-gated channel subfamily A member 5; plus strand). Cytogenetic location: 12p13.32.
Variant type: single nucleotide variant.
Coding change: c.1485C>T on transcript NM_002234.4 (MANE Select); coding-DNA position 1485, C replaced by T.
Protein change: p.Ile495=; no amino-acid change (isoleucine 495 retained).
Molecular consequence: synonymous variant.
Genome position (GRCh38, 1-based): chr12:5,045,632, C>T. VCF-style: chr12-5045632-C-T. GRCh37 (hg19) VCF-style: chr12-5154798-C-T.
Identifiers: ClinVar variation 2973591 (VCV002973591.3), dbSNP rs764615241, ClinGen allele CA6399875.

ClinVar aggregate classification (germline): Uncertain significance (1 of 4 stars; one submission).

Conditions:
Atrial fibrillation, familial, 7 (ATFB7). Identifiers: MedGen C2677106, MONDO:0012828, OMIM 612240.

gnomAD v4.1: 2 of 1,614,220 alleles (0.00012%); highest among the groups gnomAD compares: South Asian, 0.0022%; no homozygotes.

Submission:

Labcorp Genetics (formerly Invitae), Labcorp
Classification: Uncertain significance for Atrial fibrillation, familial, 7. Last evaluated: 2023-11-21. Review status: criteria provided, single submitter. Criteria: Invitae Variant Classification Sherloc (09022015). Collection method: clinical testing. Allele origin: germline.
Comment: This sequence change affects codon 495 of the KCNA5 mRNA. It is a 'silent' change, meaning that it does not change the encoded amino acid sequence of the KCNA5 protein. This variant is present in population databases (rs764615241, gnomAD 0.003%). This variant has not been reported in the literature in individuals affected with KCNA5-related conditions. In summary, the available evidence is currently insufficient to determine the role of this variant in disease. Therefore, it has been classified as a Variant of Uncertain Significance.